The following is an entry in ClinVar:

NM_012186.3(FOXE3):c.216G>A (p.Pro72=)

Genes: LINC01389 (long independently transcribed non-coding RNA 1389; minus strand), FOXE3 (forkhead box E3; plus strand). Cytogenetic location: 1p33.
Variant type: single nucleotide variant.
Coding change: c.216G>A on transcript NM_012186.3 (MANE Select); coding-DNA position 216, G replaced by A.
Protein change: p.Pro72=; no amino-acid change (proline 72 retained).
Molecular consequence: synonymous variant.
Genome position (GRCh38, 1-based): chr1:47,416,531, G>A. VCF-style: chr1-47416531-G-A. GRCh37 (hg19) VCF-style: chr1-47882203-G-A.
Identifiers: ClinVar variation 3762567 (VCV003762567.2).

ClinVar aggregate classification (germline): Uncertain significance (1 of 4 stars; one submission).

Conditions:
Congenital primary aphakia. Also called: Anterior segment dysgenesis 2, multiple subtypes; ANTERIOR SEGMENT DYSGENESIS 2. Identifiers: Orphanet 83461, MedGen C1853230, MONDO:0012456, OMIM 610256.
Anterior segment dysgenesis. Also called: Ocular anterior segment dysgenesis. Identifiers: Orphanet 88632, MedGen C1862839, MONDO:0019503, HP:0007700.

Submission:

Labcorp Genetics (formerly Invitae), Labcorp
Classification: Uncertain significance for Anterior segment dysgenesis; Congenital primary aphakia. Last evaluated: 2024-11-19. Review status: criteria provided, single submitter. Criteria: Invitae Variant Classification Sherloc (09022015). Collection method: clinical testing. Allele origin: germline.
Comment: This sequence change affects codon 72 of the FOXE3 mRNA. It is a 'silent' change, meaning that it does not change the encoded amino acid sequence of the FOXE3 protein. This variant is not present in population databases (gnomAD no frequency). This variant has not been reported in the literature in individuals affected with FOXE3-related conditions. In summary, the available evidence is currently insufficient to determine the role of this variant in disease. Therefore, it has been classified as a Variant of Uncertain Significance.